The following is an entry in ClinVar:

NM_001164508.2(NEB):c.11067C>T (p.Asn3689=)

Gene: NEB (nebulin; minus strand). Cytogenetic location: 2q23.3.
Variant type: single nucleotide variant.
Coding change: c.11067C>T on transcript NM_001164508.2 (MANE Select); coding-DNA position 11067, C replaced by T.
Protein change: p.Asn3689=; no amino-acid change (asparagine 3689 retained).
Molecular consequence: synonymous variant.
Genome position (GRCh38, 1-based): chr2:151,618,284, G>A on the plus strand (C>T on the coding strand, the complement: NEB is on the minus strand). VCF-style: chr2-151618284-G-A. GRCh37 (hg19) VCF-style: chr2-152474798-G-A.
Other names: NM_001164508.2(NEB):c.11067C>T; p.Asn3689=; c.11067C>T, p.Asn3689= (NM_001164507.2, NM_001271208.2); c.10338C>T, p.Asn3446= (NM_004543.5).
Identifiers: ClinVar variation 389787 (VCV000389787.79), dbSNP rs200427401, ClinGen allele CA1908888.
Genomic context (GRCh38, chr2:151,618,284, plus strand): 5'-AATTGTTCTGTGGTAACTTTCGGTATCTAACAGTGAGGATTGAAGACTCACCTTATTCAT[G>A]TTTAAAGCATTGTTTTTTGCCAGCACCTGCTCCGGAGTGTCCGTTATACTGGTAAATTTC-3'
Protein context (NP_001157980.2, residues 3679-3699): EQVLAKNNAL[Asn3689=]MNKRLYTEAW

ClinVar aggregate classification (germline): Likely benign. Review status: reviewed by expert panel (3 of 4 stars). 6 submissions from 6 submitters: Likely benign (1). 5 of the submissions do not count toward it. Last evaluated 2024-08-07.

Conditions:
Nemaline myopathy 2 (NEM2). Also called: Nemaline myopathy 2, autosomal recessive. Identifiers: MedGen C1850569, MONDO:0009725, OMIM 256030.
Nemaline myopathy. Also called: Myopathies, Nemaline. Identifiers: Orphanet 607, MedGen C0206157, MONDO:0018958.
NEB-related disorder. Also called: NEB-Related Disorders; NEB-related condition.

Allele frequency attached by ClinVar (database versions not stated): TOPMed 0.00028; gnomAD 0.00044; gnomAD exomes 0.00045 and 0.00063; ExAC 0.00050; ESP Exome Variant Server 0.00058.
gnomAD v4.1: 987 of 1,613,674 alleles (0.061%); highest among the groups gnomAD compares: Non-Finnish European, 0.072%; 2 homozygotes.

Submissions (6):

ClinGen Congenital Myopathies Variant Curation Expert Panel, ClinGen
Classification: Likely benign for Nemaline myopathy. Last evaluated: 2024-08-07. Review status: reviewed by expert panel. Criteria: ClinGen CongenMyopathy ACMG Specifications NEB V1.0.0. Collection method: curation. Allele origin: germline. Inheritance: Autosomal recessive inheritance.
Comment: The c.11067C>T is a synonymous (silent) variant (p.Asn3689=) that is not predicted by SpliceAI to impact splicing. In addition, it occurs at a nucleotide that is not conserved as shown by the UCSC Genome Browser (BP4, BP7). The highest population filtering allele frequency in gnomAD v4.1.0 is 0.0006878 (922/1461502 alleles, 2 homozygotes) in the non-Finnish European population, which is higher than the ClinGen Congenital Myopathies VCEP threshold (MAF ≥ 0.000237) for BS1, and therefore meets this criterion (BS1). In summary, this variant meets the criteria to be classified as likely benign for autosomal recessive congenital myopathy based on the ACMG/AMP criteria applied, as specified by the ClinGen Congenital Myopathy VCEP: BS1, BP4, BP7. (Congenital Myopathies VCEP specifications version 1; 8/7/2024)

CeGaT Center for Human Genetics Tuebingen
Classification: Likely benign. Last evaluated: 2026-03-01. Review status: criteria provided, single submitter. Criteria: CeGaT Center For Human Genetics Tuebingen Variant Classification Criteria Version 2. Collection method: clinical testing. Allele origin: germline. Affected: yes. Observed: 6 variant alleles. Not counted in ClinVar's aggregate classification.
Comment: NEB: BP4, BP7

Labcorp Genetics (formerly Invitae), Labcorp
Classification: Likely benign for Nemaline myopathy 2. Last evaluated: 2026-01-31. Review status: criteria provided, single submitter. Criteria: Invitae Variant Classification Sherloc (09022015). Collection method: clinical testing. Allele origin: germline. Not counted in ClinVar's aggregate classification.

Blueprint Genetics
Classification: Likely benign. Last evaluated: 2024-10-07. Review status: criteria provided, single submitter. Criteria: ACMG Guidelines, 2015. Collection method: clinical testing. Allele origin: germline. Not counted in ClinVar's aggregate classification.

GeneDx
Classification: Likely benign. Last evaluated: 2020-07-22. Review status: criteria provided, single submitter. Criteria: GeneDx Variant Classification Process June 2021. Collection method: clinical testing. Allele origin: germline. Affected: yes. Not counted in ClinVar's aggregate classification.

PreventionGenetics, part of Exact Sciences
Classification: Likely benign for NEB-related condition. Last evaluated: 2019-08-15. Review status: no assertion criteria provided. Collection method: clinical testing. Allele origin: germline. Not counted in ClinVar's aggregate classification.
Comment: This variant is classified as likely benign based on ACMG/AMP sequence variant interpretation guidelines (Richards et al. 2015 PMID: 25741868, with internal and published modifications).